The following is an entry in ClinVar:

ClinVar aggregate classification (germline): Uncertain significance (1 of 4 stars; one submission).

Conditions:
Cardiovascular phenotype. Identifiers: MedGen CN230736.

Submission:

Ambry Genetics
Classification: Uncertain significance for Cardiovascular phenotype. Last evaluated: 2026-08-24. Review status: criteria provided, single submitter. Criteria: Ambry Variant Classification Scheme 2023. Collection method: clinical testing. Allele origin: germline.
Comment: The p.P112L variant (also known as c.335C>T), located in coding exon 1 of the FOXE3 gene, results from a C to T substitution at nucleotide position 335. The proline at codon 112 is replaced by leucine, an amino acid with similar properties. This amino acid position is conserved. In addition, the in silico prediction for this alteration is inconclusive. Based on the available evidence, the clinical significance of this variant remains unclear.

NM_012186.3(FOXE3):c.335C>T (p.Pro112Leu)

Genes: FOXE3 (forkhead box E3; plus strand), LINC01389 (long independently transcribed non-coding RNA 1389; minus strand). Cytogenetic location: 1p33.
Variant type: single nucleotide variant.
Coding change: c.335C>T on transcript NM_012186.3 (MANE Select); coding-DNA position 335, C replaced by T.
Protein change: p.Pro112Leu; replaces proline 112 with leucine.
Molecular consequence: missense variant.
Genome position (GRCh38, 1-based): chr1:47,416,650, C>T. VCF-style: chr1-47416650-C-T. GRCh37 (hg19) VCF-style: chr1-47882322-C-T.
Other names: short protein forms P112L.
Identifiers: ClinVar variation 5022005 (VCV005022005.1).
Genomic context (GRCh38, chr1:47,416,650, plus strand): 5'-TCACGCTGGCCGCCATCTACCGCTTCATCACCGAACGCTTTGCCTTCTACCGCGACAGCC[C>T]GCGCAAGTGGCAGAACAGCATCCGCCACAATCTCACGCTCAACGACTGCTTCGTCAAGGT-3'
Protein context (NP_036318.1, residues 102-122): TERFAFYRDS[Pro112Leu]RKWQNSIRHN